The following is an entry in ClinVar:

NM_198253.3(TERT):c.941C>T (p.Pro314Leu)

Gene: TERT (telomerase reverse transcriptase; minus strand). Cytogenetic location: 5p15.33.
Variant type: single nucleotide variant.
Coding change: c.941C>T on transcript NM_198253.3 (MANE Select); coding-DNA position 941, C replaced by T.
Protein change: p.Pro314Leu; replaces proline 314 with leucine.
Molecular consequence: missense variant. On other transcripts: non-coding transcript variant (2).
Genome position (GRCh38, 1-based): chr5:1,293,945, G>A on the plus strand (C>T on the coding strand, the complement: TERT is on the minus strand). VCF-style: chr5-1293945-G-A. GRCh37 (hg19) VCF-style: chr5-1294060-G-A.
Other names: c.941C>T, p.Pro314Leu (NM_001193376.3); short protein forms P314L.
Identifiers: ClinVar variation 539213 (VCV000539213.11), dbSNP rs1306142415, ClinGen allele CA359056112.
Genomic context (GRCh38, chr5:1,293,945, plus strand): 5'-GAGTAGAGGAAGTGCTTGGTCTCGGCGTACACCGGGGGACAAGGCGTGTCCCAGGGACGT[G>A]GTGGCCGCGATGTGGATGGGGGGCCCGCGTGGTGCTGGCGGCCCACGGATGGGTGGGAGT-3'
Protein context (NP_937983.2, residues 304-324): HAGPPSTSRP[Pro314Leu]RPWDTPCPPV

ClinVar aggregate classification (germline): Uncertain significance. Review status: criteria provided, multiple submitters, no conflicts (2 of 4 stars). 3 submissions from 3 submitters: Uncertain significance (3). Last evaluated 2025-06-09.

Conditions:
Dyskeratosis congenita, autosomal dominant 2. Identifiers: MedGen C3151443, MONDO:0013521, OMIM 613989.
Idiopathic Pulmonary Fibrosis. Also called: Idiopathic fibrosing alveolitis, chronic form; idiopathic fibrosing alveolitis. Identifiers: Orphanet 2032, MedGen C1800706, MeSH D054990, MONDO:0800504.
Dyskeratosis congenita. Identifiers: Orphanet 1775, MedGen C0265965, MONDO:0015780.

Submissions (3):

Ambry Genetics
Classification: Uncertain significance for Dyskeratosis congenita. Last evaluated: 2025-06-09. Review status: criteria provided, single submitter. Criteria: Ambry Variant Classification Scheme 2023. Collection method: clinical testing. Allele origin: germline.
Comment: The p.P314L variant (also known as c.941C>T), located in coding exon 2 of the TERT gene, results from a C to T substitution at nucleotide position 941. The proline at codon 314 is replaced by leucine, an amino acid with similar properties. This amino acid position is conserved. In addition, this alteration is predicted to be tolerated by in silico analysis. Based on the available evidence, the clinical significance of this variant remains unclear.

GeneDx
Classification: Uncertain significance. Last evaluated: 2023-03-21. Review status: criteria provided, single submitter. Criteria: GeneDx Variant Classification Process June 2021. Collection method: clinical testing. Allele origin: germline. Affected: yes.
Comment: Not observed at significant frequency in large population cohorts (gnomAD); In silico analysis supports that this missense variant does not alter protein structure/function; Has not been previously published as pathogenic or benign to our knowledge

Labcorp Genetics (formerly Invitae), Labcorp
Classification: Uncertain significance for Dyskeratosis congenita, autosomal dominant 2; Idiopathic Pulmonary Fibrosis. Last evaluated: 2022-09-24. Review status: criteria provided, single submitter. Criteria: Invitae Variant Classification Sherloc (09022015). Collection method: clinical testing. Allele origin: germline.
Comment: This sequence change replaces proline, which is neutral and non-polar, with leucine, which is neutral and non-polar, at codon 314 of the TERT protein (p.Pro314Leu). This variant is not present in population databases (gnomAD no frequency). This variant has not been reported in the literature in individuals affected with TERT-related conditions. ClinVar contains an entry for this variant (Variation ID: 539213). Advanced modeling of protein sequence and biophysical properties (such as structural, functional, and spatial information, amino acid conservation, physicochemical variation, residue mobility, and thermodynamic stability) performed at Invitae indicates that this missense variant is expected to disrupt TERT protein function. In summary, the available evidence is currently insufficient to determine the role of this variant in disease. Therefore, it has been classified as a Variant of Uncertain Significance.